The following is an entry in ClinVar:

NM_001308093.3(GATA4):c.768C>G (p.Ile256Met)

Gene: GATA4 (GATA binding protein 4). Cytogenetic location: 8p23.1.
Variant type: single nucleotide variant.
Coding change: c.768C>G on transcript NM_001308093.3 (MANE Select); coding-DNA position 768, C replaced by G.
Protein change: p.Ile256Met; replaces isoleucine 256 with methionine.
Molecular consequence: missense variant.
Genome position (GRCh38, 1-based): chr8:11,749,067, C>G. VCF-style: chr8-11749067-C-G. GRCh37 (hg19) VCF-style: chr8-11606576-C-G.
Other names: c.147C>G, p.Ile49Met (NM_001308094.2, NM_001374273.1, NM_001374274.1); c.765C>G, p.Ile255Met (NM_002052.5); short protein forms I49M, I255M, I256M.
Identifiers: ClinVar variation 1760007 (VCV001760007.2), dbSNP rs760250504, ClinGen allele CA370312853.

ClinVar aggregate classification (germline): Uncertain significance (1 of 4 stars; one submission).

Conditions:
Cardiovascular phenotype. Identifiers: MedGen CN230736.

Submission:

Ambry Genetics
Classification: Uncertain significance for Cardiovascular phenotype. Last evaluated: 2021-10-19. Review status: criteria provided, single submitter. Criteria: Ambry Variant Classification Scheme 2023. Collection method: clinical testing. Allele origin: germline.
Comment: The p.I255M variant (also known as c.765C>G), located in coding exon 2 of the GATA4 gene, results from a C to G substitution at nucleotide position 765. The isoleucine at codon 255 is replaced by methionine, an amino acid with highly similar properties. This amino acid position is conserved. In addition, the in silico prediction for this alteration is inconclusive. Since supporting evidence is limited at this time, the clinical significance of this alteration remains unclear.